The following is an entry in ClinVar:

ClinVar aggregate classification (germline): Likely benign. Review status: criteria provided, multiple submitters, no conflicts (2 of 4 stars). 2 submissions from 2 submitters: Likely benign (2). Last evaluated 2026-04-07.

Conditions:
DNAH9-related disorder. Also called: DNAH9-related condition.

Allele frequency attached by ClinVar (database versions not stated): gnomAD exomes 0.00004; ExAC 0.00007; gnomAD 0.00013; TOPMed 0.00015; ESP Exome Variant Server 0.00023; 1000 Genomes Project 30x 0.00047; 1000 Genomes Project 0.00060.
gnomAD v4.1: 103 of 1,613,718 alleles (0.0064%); highest among the groups gnomAD compares: African/African-American, 0.084%; 1 homozygote.

Submissions (2):

PreventionGenetics, part of Exact Sciences
Classification: Likely benign for DNAH9-related condition. Last evaluated: 2026-04-07. Review status: criteria provided, single submitter. Criteria: ACMG Guidelines, 2015. Collection method: clinical testing. Allele origin: germline.
Comment: This variant is classified as likely benign based on ACMG/AMP sequence variant interpretation guidelines (Richards et al. 2015 PMID: 25741868, with internal and published modifications).

Labcorp Genetics (formerly Invitae), Labcorp
Classification: Likely benign. Last evaluated: 2025-10-01. Review status: criteria provided, single submitter. Criteria: Invitae Variant Classification Sherloc (09022015). Collection method: clinical testing. Allele origin: germline.

NM_001372.4(DNAH9):c.1317G>A (p.Leu439=)

Gene: DNAH9 (dynein axonemal heavy chain 9; plus strand). Cytogenetic location: 17p12.
Variant type: single nucleotide variant.
Coding change: c.1317G>A on transcript NM_001372.4 (MANE Select); coding-DNA position 1317, G replaced by A.
Protein change: p.Leu439=; no amino-acid change (leucine 439 retained).
Molecular consequence: synonymous variant.
Genome position (GRCh38, 1-based): chr17:11,619,748, G>A. VCF-style: chr17-11619748-G-A. GRCh37 (hg19) VCF-style: chr17-11523065-G-A.
Other names: c.1317G>A (NM_001372.3).
Identifiers: ClinVar variation 2082772 (VCV002082772.5), dbSNP rs147288160, ClinGen allele CA8394797.